The following is an entry in ClinVar:

ClinVar aggregate classification (germline): Uncertain significance (1 of 4 stars; one submission).

Submission:

GeneDx
Classification: Uncertain significance. Last evaluated: 2024-11-26. Review status: criteria provided, single submitter. Criteria: GeneDx Variant Classification Process June 2021. Collection method: clinical testing. Allele origin: germline. Affected: yes.
Comment: In-frame deletion of 2 amino acid(s) and insertion of 2 different amino acid(s) in a non-repeat region; Not observed at significant frequency in large population cohorts (gnomAD); In silico analysis supports a deleterious effect on protein structure/function; Has not been previously published as pathogenic or benign to our knowledge

NM_001144967.3(NEDD4L):c.160_163delinsTTGT (p.Glu54_Asn55delinsLeuTyr)

Gene: NEDD4L (NEDD4 like E3 ubiquitin protein ligase; plus strand). Cytogenetic location: 18q21.31.
Variant type: Indel.
Coding change: c.160_163delinsTTGT on transcript NM_001144967.3 (MANE Select); coding-DNA positions 160 to 163, GAGA replaced by TTGT.
Protein change: p.Glu54_Asn55delinsLeuTyr.
Molecular consequence: missense variant. On other transcripts: 5 prime UTR variant (5).
Genome position (GRCh38, 1-based): chr18:58,245,464-58,245,467, GAGA replaced by TTGT. VCF-style: chr18-58245464-GAGA-TTGT. GRCh37 (hg19) VCF-style: chr18-55912696-GAGA-TTGT.
Other names: c.-204_-201delinsTTGT (NM_001144964.1, NM_001144965.2, NM_001144966.3 and 2 more transcripts); c.136_139delinsTTGT, p.Glu46_Asn47delinsLeuTyr (NM_001144968.2, NM_001144969.2); c.160_163delinsTTGT, p.Glu54_Asn55delinsLeuTyr (NM_001243960.2, NM_015277.6).
Identifiers: ClinVar variation 3900205 (VCV003900205.1).